The following is an entry in ClinVar:

ClinVar aggregate classification (germline): Uncertain significance. Review status: criteria provided, multiple submitters, no conflicts (2 of 4 stars). 2 submissions from 2 submitters: Uncertain significance (2). Last evaluated 2025-08-08.

Conditions:
Inborn genetic diseases. Identifiers: MedGen C0950123, MeSH D030342.

Allele frequency attached by ClinVar (database versions not stated): gnomAD exomes 0.00001; TOPMed below 0.00001.
gnomAD v4.1: 3 of 1,613,548 alleles (0.00019%); highest among the groups gnomAD compares: Admixed American, 0.0017%; no homozygotes.

Submissions (2):

Ambry Genetics
Classification: Uncertain significance for Inborn genetic diseases. Last evaluated: 2025-08-08. Review status: criteria provided, single submitter. Criteria: Ambry Variant Classification Scheme 2023. Collection method: clinical testing. Allele origin: germline.

Labcorp Genetics (formerly Invitae), Labcorp
Classification: Uncertain significance. Last evaluated: 2022-07-26. Review status: criteria provided, single submitter. Criteria: Invitae Variant Classification Sherloc (09022015). Collection method: clinical testing. Allele origin: germline.
Comment: This sequence change replaces valine, which is neutral and non-polar, with glycine, which is neutral and non-polar, at codon 59 of the SLC45A2 protein (p.Val59Gly). This variant is present in population databases (no rsID available, gnomAD 0.003%). This variant has not been reported in the literature in individuals affected with SLC45A2-related conditions. ClinVar contains an entry for this variant (Variation ID: 1414079). Algorithms developed to predict the effect of missense changes on protein structure and function are either unavailable or do not agree on the potential impact of this missense change (SIFT: "Deleterious"; PolyPhen-2: "Benign"; Align-GVGD: "Class C0"). In summary, the available evidence is currently insufficient to determine the role of this variant in disease. Therefore, it has been classified as a Variant of Uncertain Significance.

NM_016180.5(SLC45A2):c.176T>G (p.Val59Gly)

Gene: SLC45A2 (solute carrier family 45 member 2; minus strand). Cytogenetic location: 5p13.2.
Variant type: single nucleotide variant.
Coding change: c.176T>G on transcript NM_016180.5 (MANE Select); coding-DNA position 176, T replaced by G.
Protein change: p.Val59Gly; replaces valine 59 with glycine.
Molecular consequence: missense variant.
Genome position (GRCh38, 1-based): chr5:33,984,408, A>C on the plus strand (T>G on the coding strand, the complement: SLC45A2 is on the minus strand). VCF-style: chr5-33984408-A-C. GRCh37 (hg19) VCF-style: chr5-33984513-A-C.
Other names: c.176T>G (NM_016180.3); c.176T>G, p.Val59Gly (NM_001012509.4, NM_001297417.4); short protein forms V59G.
Identifiers: ClinVar variation 1414079 (VCV001414079.4), dbSNP rs1392382899, ClinGen allele CA359397652.
Genomic context (GRCh38, chr5:33,984,408, plus strand): 5'-ATGGGGCTGAGGAACCACACAATGCTGTACAGGCTGCTGGGCAGACCTACGCTGAGCAGG[A>C]CTGGGGTCACATACGCTGCCTCCACCGCGTAGCAGAACTCTCTTCCGAACATGGCCATGC-3'
Protein context (NP_057264.4, residues 49-69): YAVEAAYVTP[Val59Gly]LLSVGLPSSL